The following is an entry in ClinVar:

ClinVar aggregate classification (germline): Benign/Likely benign. Review status: criteria provided, multiple submitters, no conflicts (2 of 4 stars). 10 submissions from 10 submitters: Benign (4); Likely benign (3). 3 of the submissions do not count toward it. Last evaluated 2026-02-01.

Conditions:
Orofacial-digital syndrome IV (OFD4). Also called: BARAITSER-BURN SYNDROME; MOHR-MAJEWSKI SYNDROME; Orofaciodigital syndrome IV; OFD SYNDROME WITH TIBIAL DEFECTS; OFD SYNDROME, BARAITSER-BURN TYPE; OFDS IV. Identifiers: Orphanet 2753, MedGen C0406727, MONDO:0009794, OMIM 258860.
Joubert syndrome 18 (JBTS18). Identifiers: Orphanet 2754, MedGen C3553758, MONDO:0013896, OMIM 614815.

Allele frequency attached by ClinVar (database versions not stated): 1000 Genomes Project 30x 0.00344; 1000 Genomes Project 0.00359; TOPMed 0.00417; gnomAD 0.00423 and 0.00450; ESP Exome Variant Server 0.00492; gnomAD exomes 0.00648 and 0.00687; ExAC 0.00719.

Submissions (10):

Labcorp Genetics (formerly Invitae), Labcorp
Classification: Benign for Joubert syndrome 18; Orofacial-digital syndrome IV. Last evaluated: 2026-02-01. Review status: criteria provided, single submitter. Criteria: Invitae Variant Classification Sherloc (09022015). Collection method: clinical testing. Allele origin: germline.

CeGaT Center for Human Genetics Tuebingen
Classification: Benign. Last evaluated: 2024-08-01. Review status: criteria provided, single submitter. Criteria: CeGaT Center For Human Genetics Tuebingen Variant Classification Criteria Version 2. Collection method: clinical testing. Allele origin: germline. Affected: yes. Observed: 11 variant alleles.
Comment: TCTN3: BP4, BS1, BS2

GeneDx
Classification: Benign. Last evaluated: 2017-08-07. Review status: criteria provided, single submitter. Criteria: GeneDx Variant Classification (06012015). Collection method: clinical testing. Allele origin: germline. Affected: yes.
Comment: This variant is considered likely benign or benign based on one or more of the following criteria: it is a conservative change, it occurs at a poorly conserved position in the protein, it is predicted to be benign by multiple in silico algorithms, and/or has population frequency not consistent with disease.

Center for Pediatric Genomic Medicine, Children's Mercy Hospital and Clinics
Classification: Likely benign. Last evaluated: 2016-12-28. Review status: criteria provided, single submitter. Criteria: ACMG Guidelines, 2015. Collection method: clinical testing. Allele origin: germline.
ClinVar note: Converted during submission from Likely Benign to Likely benign.

Genetic Services Laboratory, University of Chicago
Classification: Likely benign. Last evaluated: 2015-12-15. Review status: criteria provided, single submitter. Criteria: ACMG Guidelines, 2015. Collection method: clinical testing. Allele origin: germline. Affected: no.

Breakthrough Genomics
Classification: Likely benign. Review status: criteria provided, single submitter. Criteria: ACMG Guidelines, 2015. Collection method: not provided. Allele origin: germline. Inheritance: Autosomal recessive inheritance. Affected: yes.

PreventionGenetics, part of Exact Sciences
Classification: Benign. Review status: criteria provided, single submitter. Criteria: ACMG Guidelines, 2015. Collection method: clinical testing. Allele origin: germline.

Clinical Genetics DNA and cytogenetics Diagnostics Lab, Erasmus MC, Erasmus Medical Center
Classification: Benign. Review status: no assertion criteria provided. Collection method: clinical testing. Allele origin: germline. Affected: yes. Study: VKGL Data-share Consensus. Not counted in ClinVar's aggregate classification.

Genome Diagnostics Laboratory, University Medical Center Utrecht
Classification: Likely benign. Review status: no assertion criteria provided. Collection method: clinical testing. Allele origin: germline. Affected: yes. Study: VKGL Data-share Consensus. Not counted in ClinVar's aggregate classification.

Laboratory of Diagnostic Genome Analysis, Leiden University Medical Center (LUMC)
Classification: Likely benign. Review status: no assertion criteria provided. Collection method: clinical testing. Allele origin: germline. Affected: yes. Study: VKGL Data-share Consensus. Not counted in ClinVar's aggregate classification.

NM_015631.6(TCTN3):c.1030G>A (p.Gly344Arg)

Gene: TCTN3 (tectonic family member 3; minus strand). Cytogenetic location: 10q24.1.
Variant type: single nucleotide variant.
Coding change: c.1030G>A on transcript NM_015631.6 (MANE Select); coding-DNA position 1030, G replaced by A.
Protein change: p.Gly344Arg; replaces glycine 344 with arginine.
Molecular consequence: missense variant. On other transcripts: intron variant (1).
Genome position (GRCh38, 1-based): chr10:95,684,564, C>T on the plus strand (G>A on the coding strand, the complement: TCTN3 is on the minus strand). VCF-style: chr10-95684564-C-T. GRCh37 (hg19) VCF-style: chr10-97444321-C-T.
Other names: c.652-935G>A (NM_001143973.2); short protein forms G344R.
Identifiers: ClinVar variation 212390 (VCV000212390.48), dbSNP rs141088838, ClinGen allele CA206033.